The following is an entry in ClinVar:

NM_000439.5(PCSK1):c.180+2T>A

Genes: CAST (calpastatin; plus strand), PCSK1 (proprotein convertase subtilisin/kexin type 1; minus strand), LOC101929710 (uncharacterized LOC101929710; plus strand). Cytogenetic location: 5q15.
Variant type: single nucleotide variant.
Coding change: c.180+2T>A on transcript NM_000439.5 (MANE Select); the canonical splice donor site of the intron after coding-DNA position 180, T replaced by A.
Molecular consequence: splice donor variant.
Genome position (GRCh38, 1-based): chr5:96,432,861, A>T on the plus strand (T>A on the coding strand, the complement: PCSK1 is on the minus strand). VCF-style: chr5-96432861-A-T. GRCh37 (hg19) VCF-style: chr5-95768565-A-T.
Identifiers: ClinVar variation 2067159 (VCV002067159.4), dbSNP rs2531610962, ClinGen allele CA360485962.
Genomic context (GRCh38, chr5:96,432,861, plus strand): 5'-GCGCTCCAGTCCCGCCAGTCCCCTGGGGCCCCAGAAAGTTTCTTGAAAGTGGAAACTCTT[A>T]CCTGACCCAAAAGGTCATAGCCCAGCTCCTCGGCGATGGCCGAGGCTGCTTCCGGGCCCC-3'

ClinVar aggregate classification (germline): Likely pathogenic (1 of 4 stars; one submission).

Submission:

Labcorp Genetics (formerly Invitae), Labcorp
Classification: Likely pathogenic. Last evaluated: 2024-02-05. Review status: criteria provided, single submitter. Criteria: Invitae Variant Classification Sherloc (09022015). Collection method: clinical testing. Allele origin: germline.
Comment: This sequence change affects a donor splice site in intron 1 of the PCSK1 gene. It is expected to disrupt RNA splicing. Variants that disrupt the donor or acceptor splice site typically lead to a loss of protein function (PMID: 16199547), and loss-of-function variants in PCSK1 are known to be pathogenic (PMID: 23562752, 23800642, 24280991, 27391121). This variant is not present in population databases (gnomAD no frequency). This variant has not been reported in the literature in individuals affected with PCSK1-related conditions. ClinVar contains an entry for this variant (Variation ID: 2067159). Algorithms developed to predict the effect of sequence changes on RNA splicing suggest that this variant may disrupt the consensus splice site. In summary, the currently available evidence indicates that the variant is pathogenic, but additional data are needed to prove that conclusively. Therefore, this variant has been classified as Likely Pathogenic.

Literature cited by the submitters: PubMed 16199547; PubMed 23562752; PubMed 23800642; PubMed 24280991; PubMed 27391121.